The following is an entry in ClinVar:

ClinVar aggregate classification (germline): Uncertain significance (1 of 4 stars; one submission).

Conditions:
Cataract 3 multiple types. Also called: CATARACT 3, MULTIPLE TYPES, WITH OR WITHOUT MICROCORNEA. Identifiers: Orphanet 1377, MedGen C1832175, MONDO:0011104, OMIM 601547.

Allele frequency attached by ClinVar (database versions not stated): TOPMed below 0.00001.
gnomAD v4.1: 1 of 1,614,156 alleles (0.000062%); highest among the groups gnomAD compares: Non-Finnish European, 0.000085%; no homozygotes.

Submission:

Centre for Mendelian Genomics, University Medical Centre Ljubljana
Classification: Uncertain significance for Cataract 3 multiple types. Last evaluated: 2019-04-25. Review status: criteria provided, single submitter. Criteria: ACMG Guidelines, 2015. Collection method: clinical testing. Allele origin: unknown. Affected: yes.
Comment: This variant was classified as: Uncertain significance. The available evidence on this variant's pathogenicity is insufficient or conflicting. The following ACMG criteria were applied in classifying this variant: PM2,PP3.

NM_000496.3(CRYBB2):c.254G>T (p.Trp85Leu)

Gene: CRYBB2 (crystallin beta B2; plus strand). Cytogenetic location: 22q11.23.
Variant type: single nucleotide variant.
Coding change: c.254G>T on transcript NM_000496.3 (MANE Select); coding-DNA position 254, G replaced by T.
Protein change: p.Trp85Leu; replaces tryptophan 85 with leucine.
Molecular consequence: missense variant.
Genome position (GRCh38, 1-based): chr22:25,227,933, G>T. VCF-style: chr22-25227933-G-T. GRCh37 (hg19) VCF-style: chr22-25623900-G-T.
Other names: short protein forms W85L.
Identifiers: ClinVar variation 930464 (VCV000930464.3), dbSNP rs1935450863, ClinGen allele CA410987330.